The following is an entry in ClinVar:

ClinVar aggregate classification (germline): Uncertain significance (1 of 4 stars; one submission).

Conditions:
Arrhythmogenic right ventricular dysplasia 13. Also called: ARRHYTHMOGENIC RIGHT VENTRICULAR CARDIOMYOPATHY 13; Arrhythmogenic right ventricular dysplasia, familial, 13. Identifiers: MedGen C3810138, MONDO:0000908, OMIM 615616.

Allele frequency attached by ClinVar (database versions not stated): gnomAD exomes 0.00001.
gnomAD v4.1: 3 of 1,613,584 alleles (0.00019%); highest among the groups gnomAD compares: Admixed American, 0.005%; no homozygotes.

Submission:

Labcorp Genetics (formerly Invitae), Labcorp
Classification: Uncertain significance for Arrhythmogenic right ventricular dysplasia 13. Last evaluated: 2021-10-14. Review status: criteria provided, single submitter. Criteria: Invitae Variant Classification Sherloc (09022015). Collection method: clinical testing. Allele origin: germline.
Comment: In summary, the available evidence is currently insufficient to determine the role of this variant in disease. Therefore, it has been classified as a Variant of Uncertain Significance. Algorithms developed to predict the effect of missense changes on protein structure and function are either unavailable or do not agree on the potential impact of this missense change (SIFT: "Tolerated"; PolyPhen-2: "Possibly Damaging"; Align-GVGD: "Class C0"). This variant has not been reported in the literature in individuals affected with CTNNA3-related conditions. This variant is not present in population databases (ExAC no frequency). This sequence change replaces proline with serine at codon 112 of the CTNNA3 protein (p.Pro112Ser). The proline residue is moderately conserved and there is a moderate physicochemical difference between proline and serine.

NM_013266.4(CTNNA3):c.334C>T (p.Pro112Ser)

Gene: CTNNA3 (catenin alpha 3; minus strand). Cytogenetic location: 10q21.3.
Variant type: single nucleotide variant.
Coding change: c.334C>T on transcript NM_013266.4 (MANE Select); coding-DNA position 334, C replaced by T.
Protein change: p.Pro112Ser; replaces proline 112 with serine.
Molecular consequence: missense variant.
Genome position (GRCh38, 1-based): chr10:67,539,628, G>A on the plus strand (C>T on the coding strand, the complement: CTNNA3 is on the minus strand). VCF-style: chr10-67539628-G-A. GRCh37 (hg19) VCF-style: chr10-69299386-G-A.
Other names: c.334C>T, p.Pro112Ser (NM_001127384.3); c.370C>T, p.Pro124Ser (NM_001291133.2); short protein forms P124S, P112S.
Identifiers: ClinVar variation 1412490 (VCV001412490.6), dbSNP rs1485074194, ClinGen allele CA377097960.